The following is an entry in ClinVar:

ClinVar aggregate classification (germline): Uncertain significance. Review status: criteria provided, single submitter (1 of 4 stars). 2 submissions from 2 submitters: Uncertain significance (1). 1 of the submissions does not count toward it. Last evaluated 2022-07-23.

Conditions:
TOE1-related disorder. Also called: TOE1-related condition.

Allele frequency attached by ClinVar (database versions not stated): gnomAD 0.00006; TOPMed 0.00010; ExAC 0.00012.
gnomAD v4.1: 49 of 1,613,918 alleles (0.003%); highest among the groups gnomAD compares: East Asian, 0.087%; no homozygotes.

Submissions (2):

Labcorp Genetics (formerly Invitae), Labcorp
Classification: Uncertain significance. Last evaluated: 2022-07-23. Review status: criteria provided, single submitter. Criteria: Invitae Variant Classification Sherloc (09022015). Collection method: clinical testing. Allele origin: germline.
Comment: This variant is present in population databases (rs747294274, gnomAD 0.2%). This sequence change replaces threonine, which is neutral and polar, with serine, which is neutral and polar, at codon 355 of the TOE1 protein (p.Thr355Ser). This variant has not been reported in the literature in individuals affected with TOE1-related conditions. In summary, the available evidence is currently insufficient to determine the role of this variant in disease. Therefore, it has been classified as a Variant of Uncertain Significance. Algorithms developed to predict the effect of missense changes on protein structure and function (SIFT, PolyPhen-2, Align-GVGD) all suggest that this variant is likely to be tolerated.

PreventionGenetics, part of Exact Sciences
Classification: Likely benign for TOE1-related condition. Last evaluated: 2023-01-25. Review status: no assertion criteria provided. Collection method: clinical testing. Allele origin: germline. Not counted in ClinVar's aggregate classification.
Comment: This variant is classified as likely benign based on ACMG/AMP sequence variant interpretation guidelines (Richards et al. 2015 PMID: 25741868, with internal and published modifications).

NM_025077.4(TOE1):c.1063A>T (p.Thr355Ser)

Gene: TOE1 (target of EGR1, exonuclease; plus strand). Cytogenetic location: 1p34.1.
Variant type: single nucleotide variant.
Coding change: c.1063A>T on transcript NM_025077.4 (MANE Select); coding-DNA position 1063, A replaced by T.
Protein change: p.Thr355Ser; replaces threonine 355 with serine.
Molecular consequence: missense variant.
Genome position (GRCh38, 1-based): chr1:45,343,232, A>T. VCF-style: chr1-45343232-A-T. GRCh37 (hg19) VCF-style: chr1-45808904-A-T.
Other names: c.1063A>T (NM_025077.3); short protein forms T355S.
Identifiers: ClinVar variation 2420308 (VCV002420308.8), dbSNP rs747294274, ClinGen allele CA826773.